The following is an entry in ClinVar:

NM_145045.5(ODAD3):c.1590+9C>T

Gene: ODAD3 (outer dynein arm docking complex subunit 3; minus strand). Cytogenetic location: 19p13.2.
Variant type: single nucleotide variant.
Coding change: c.1590+9C>T on transcript NM_145045.5 (MANE Select); 9 bases into the intron after coding-DNA position 1590, C replaced by T.
Molecular consequence: intron variant.
Genome position (GRCh38, 1-based): chr19:11,421,668, G>A on the plus strand (C>T on the coding strand, the complement: ODAD3 is on the minus strand). VCF-style: chr19-11421668-G-A. GRCh37 (hg19) VCF-style: chr19-11532336-G-A.
Other names: c.1428+9C>T (NM_001302453.1); c.1410+9C>T (NM_001302454.2); c.1590+9C>T (NM_145045.4).
Identifiers: ClinVar variation 2085036 (VCV002085036.6), dbSNP rs2512469550, ClinGen allele CA2580096436.

ClinVar aggregate classification (germline): Likely benign. Review status: criteria provided, single submitter (1 of 4 stars). 2 submissions from 2 submitters: Likely benign (1). 1 of the submissions does not count toward it. Last evaluated 2022-01-16.

Conditions:
ODAD3-related disorder. Also called: ODAD3-related condition.
Primary ciliary dyskinesia 30. Also called: CILIARY DYSKINESIA, PRIMARY, 30, WITH OR WITHOUT SITUS INVERSUS. Identifiers: Orphanet 244, MedGen C4015016, MONDO:0014465, OMIM 616037.

Submissions (2):

Labcorp Genetics (formerly Invitae), Labcorp
Classification: Likely benign for Primary ciliary dyskinesia 30. Last evaluated: 2022-01-16. Review status: criteria provided, single submitter. Criteria: Invitae Variant Classification Sherloc (09022015). Collection method: clinical testing. Allele origin: germline.

PreventionGenetics, part of Exact Sciences
Classification: Likely benign for ODAD3-related condition. Last evaluated: 2023-01-05. Review status: no assertion criteria provided. Collection method: clinical testing. Allele origin: germline. Not counted in ClinVar's aggregate classification.
Comment: This variant is classified as likely benign based on ACMG/AMP sequence variant interpretation guidelines (Richards et al. 2015 PMID: 25741868, with internal and published modifications).